The following is an entry in ClinVar:

ClinVar aggregate classification (germline): Pathogenic/Likely pathogenic. Review status: criteria provided, multiple submitters, no conflicts (2 of 4 stars). 5 submissions from 5 submitters: Pathogenic (2); Likely pathogenic (3). Last evaluated 2025-12-20.

Conditions:
LMX1B-related disorder. Also called: LMX1B-related condition.
Nail-patella syndrome (NPS). Also called: ONYCHOOSTEODYSPLASIA; FONG DISEASE; TURNER-KIESER SYNDROME. Identifiers: Orphanet 2614, MedGen C0027341, MONDO:0008061, OMIM 161200.

Allele frequency attached by ClinVar (database versions not stated): gnomAD exomes below 0.00001.
gnomAD v4.1: 1 of 1,614,144 alleles (0.000062%); highest among the groups gnomAD compares: Non-Finnish European, 0.000085%; no homozygotes.

Submissions (5):

Labcorp Genetics (formerly Invitae), Labcorp
Classification: Likely pathogenic. Last evaluated: 2025-12-20. Review status: criteria provided, single submitter. Criteria: Invitae Variant Classification Sherloc (09022015). Collection method: clinical testing. Allele origin: germline.
Comment: This sequence change replaces valine, which is neutral and non-polar, with methionine, which is neutral and non-polar, at codon 262 of the LMX1B protein (p.Val262Met). This variant is not present in population databases (gnomAD no frequency). This missense change has been observed in individual(s) with nail-patella syndrome (PMID: 25898926). In at least one individual the variant was observed to be de novo. This variant is also known as c.715G>A (p.Val239Met). ClinVar contains an entry for this variant (Variation ID: 810414). Invitae Evidence Modeling of protein sequence and biophysical properties (such as structural, functional, and spatial information, amino acid conservation, physicochemical variation, residue mobility, and thermodynamic stability) indicates that this missense variant is expected to disrupt LMX1B protein function with a positive predictive value of 80%. In summary, the currently available evidence indicates that the variant is pathogenic, but additional data are needed to prove that conclusively. Therefore, this variant has been classified as Likely Pathogenic.

Victorian Clinical Genetics Services, Murdoch Childrens Research Institute
Classification: Likely pathogenic for Nail-patella syndrome. Last evaluated: 2024-10-08. Review status: criteria provided, single submitter. Criteria: ACMG Guidelines, 2015. Collection method: clinical testing. Allele origin: germline. Inheritance: Autosomal dominant inheritance. Affected: yes.
Comment: Based on the classification scheme VCGS_Germline_v1.3.4, this variant is classified as Likely pathogenic. Following criteria are met: 0102 - Loss of function is a known mechanism of disease in this gene and is associated with nail-patella syndrome (MIM#161200) and focal segmental glomerulosclerosis 10 (MIM#256020). (I) 0107 - This gene is associated with autosomal dominant disease. (I) 0115 - Variants in this gene are known to have variable expressivity. The severity of the nephropathy is highly variable both within and between families (PMID: 27450397). (I) 0200 - Variant is predicted to result in a missense amino acid change from valine to methionine. (I) 0251 - This variant is heterozygous. (I) 0301 - Variant is absent from gnomAD (both v2 and v3). (SP) 0501 - Missense variant consistently predicted to be damaging by multiple in silico tools or highly conserved with a major amino acid change. (SP) 0602 - Variant is located in a hotspot region or cluster of pathogenic variants. Pathogenic missense cluster within the homeodomain (DECIPHER). (SP) 0705 - No comparable missense variants have previous evidence for pathogenicity. (I) 0801 - This variant has strong previous evidence of pathogenicity in unrelated individuals. This variant has been classified as likely pathogenic and pathogenic in ClinVar, of which the pathogenic classification was reported for a de novo individual. It has also been reported in the literature in a de novo individual with nail-patella syndrome (PMID: 25898926). (SP) 0905 - No published segregation evidence has been identified for this variant. (I) 1007 - No published functional evidence has been identified for this variant. (I) 1208 - Inheritance information for this variant is not currently available in this individual. (I) Legend: (SP) - Supporting pathogenic, (I) - Information, (SB) - Supporting benign

Blueprint Genetics
Classification: Pathogenic for LMX1B-related disorders. Last evaluated: 2024-05-15. Review status: criteria provided, single submitter. Criteria: ACMG Guidelines, 2015. Collection method: clinical testing. Allele origin: germline. Affected: yes. Observed: 3 variant alleles.

CENTOGENE GmbH and LLC - Guiding Precision Medicine
Classification: Pathogenic for Nail-patella syndrome. Last evaluated: 2019-10-17. Review status: criteria provided, single submitter. Criteria: ACMG Guidelines, 2015. Collection method: clinical testing. Allele origin: de novo. Affected: yes.

CeGaT Center for Human Genetics Tuebingen
Classification: Likely pathogenic. Last evaluated: 2018-10-01. Review status: criteria provided, single submitter. Criteria: CeGaT Center For Human Genetics Tuebingen Variant Classification Criteria Version 2. Collection method: clinical testing. Allele origin: germline. Affected: yes. Observed: 1 variant allele.

Literature cited by the submitters: PubMed 25898926 (cited by Labcorp Genetics (formerly Invitae), Labcorp and Victorian Clinical Genetics Services, Murdoch Childrens Research Institute); PubMed 27450397 (cited by Victorian Clinical Genetics Services, Murdoch Childrens Research Institute).

NM_001174147.2(LMX1B):c.784G>A (p.Val262Met)

Gene: LMX1B (LIM homeobox transcription factor 1 beta; plus strand). Cytogenetic location: 9q33.3.
Variant type: single nucleotide variant.
Coding change: c.784G>A on transcript NM_001174147.2 (MANE Select); coding-DNA position 784, G replaced by A.
Protein change: p.Val262Met; replaces valine 262 with methionine.
Molecular consequence: missense variant.
Genome position (GRCh38, 1-based): chr9:126,693,566, G>A. VCF-style: chr9-126693566-G-A. GRCh37 (hg19) VCF-style: chr9-129455845-G-A.
Other names: c.784G>A (NM_001174147.1); c.784G>A, p.Val262Met (NM_001174146.2, NM_002316.4); short protein forms V262M.
Identifiers: ClinVar variation 810414 (VCV000810414.46), dbSNP rs1588307464, ClinGen allele CA374913884.